The following is an entry in ClinVar:

NM_001039591.3(USP9X):c.4726T>A (p.Tyr1576Asn)

Gene: USP9X (ubiquitin specific peptidase 9 X-linked; plus strand). Cytogenetic location: Xp11.4.
Variant type: single nucleotide variant.
Coding change: c.4726T>A on transcript NM_001039591.3 (MANE Select); coding-DNA position 4726, T replaced by A.
Protein change: p.Tyr1576Asn; replaces tyrosine 1576 with asparagine.
Molecular consequence: missense variant.
Genome position (GRCh38, 1-based): chrX:41,201,182, T>A. VCF-style: chrX-41201182-T-A. GRCh37 (hg19) VCF-style: chrX-41060435-T-A.
Other names: c.4726T>A, p.Tyr1576Asn (NM_001039590.3); short protein forms Y1576N.
Identifiers: ClinVar variation 1098330 (VCV001098330.2), dbSNP rs2147201709, ClinGen allele CA412779059.

ClinVar aggregate classification (germline): Likely pathogenic (1 of 4 stars; one submission).

Submission:

Genetics Laboratory, UDIAT-Centre Diagnòstic, Hospital Universitari Parc Tauli
Classification: Likely pathogenic. Last evaluated: 2021-04-26. Review status: criteria provided, single submitter. Criteria: Parc Tauli Hospital Assertion Criteria 2021. Collection method: clinical testing. Allele origin: de novo. Inheritance: X-linked inheritance. Affected: yes. Observed: 1 hemizygote.
Comment: PM1_moderate;PM2_supporting;PM6_moderate;PP2_supporting;PP3_supporting